The following is an entry in ClinVar:

ClinVar aggregate classification (germline): Pathogenic (1 of 4 stars; one submission).

Conditions:
Marfan syndrome (MFS). Also called: Marfan syndrome type 1; Marfan's syndrome; FBN1-Related Marfan Syndrome; MARFAN SYNDROME, TYPE I; Marfan syndrome, classic. Identifiers: Orphanet 284963, Orphanet 558, MedGen C0024796, MONDO:0007947, OMIM 154700.

Submission:

Centre of Medical Genetics, University of Antwerp
Classification: Pathogenic for Marfan syndrome. Last evaluated: 2021-03-01. Review status: criteria provided, single submitter. Criteria: Submitter's publication. Collection method: research. Allele origin: unknown. Affected: yes.
Comment: PM2, PVS1, PP4

NM_000138.5(FBN1):c.6625del (p.Glu2209fs)

Gene: FBN1 (fibrillin 1; minus strand). Cytogenetic location: 15q21.1.
Variant type: Deletion.
Coding change: c.6625del on transcript NM_000138.5 (MANE Select); coding-DNA position 6625, one base deleted (G; older notation c.6625delG).
Protein change: p.Glu2209fs; shifts the reading frame from glutamic acid 2209.
Molecular consequence: frameshift variant.
Genome position (GRCh38, 1-based): chr15:48,432,980, C deleted on the plus strand (G on the coding strand, the reverse complement: FBN1 is on the minus strand). VCF-style (leftmost placement, unchanged base first): chr15-48432979-TC-T. GRCh37 (hg19) VCF-style: chr15-48725176-TC-T.
Other names: c.6625delG, p.Glu2209Asnfs (NM_000138.4); c.6625del, p.Glu2209fs (NM_001406716.1); short protein forms E2209fs.
Identifiers: ClinVar variation 1325445 (VCV001325445.2), dbSNP rs2141235258, ClinGen allele CA2573150977.